The following is an entry in ClinVar:

NM_199242.3(UNC13D):c.47G>A (p.Arg16His)

Gene: UNC13D (unc-13 homolog D; minus strand). Cytogenetic location: 17q25.1.
Variant type: single nucleotide variant.
Coding change: c.47G>A on transcript NM_199242.3 (MANE Select); coding-DNA position 47, G replaced by A.
Protein change: p.Arg16His; replaces arginine 16 with histidine.
Molecular consequence: missense variant.
Genome position (GRCh38, 1-based): chr17:75,844,291, C>T on the plus strand (G>A on the coding strand, the complement: UNC13D is on the minus strand). VCF-style: chr17-75844291-C-T. GRCh37 (hg19) VCF-style: chr17-73840372-C-T.
Other names: c.47G>A (NM_199242.2); short protein forms R16H.
Identifiers: ClinVar variation 1440152 (VCV001440152.9), dbSNP rs149195431, ClinGen allele CA8773692.
Genomic context (GRCh38, chr17:75,844,291, plus strand): 5'-ATTTGGGGCGGGGGATCCTGTAGATCTCTGACTCTGCGGCGCCTTATCTTGATGGCCTGG[C>T]GCAAGAAGGGAGGGCGCTGCTGCGGATGGGAGAGGAGTGTCGCCATGGTGGCCTTCTCTG-3'
Protein context (NP_954712.1, residues 6-26): SHPQQRPPFL[Arg16His]QAIKIRRRRV

ClinVar aggregate classification (germline): Uncertain significance. Review status: criteria provided, multiple submitters, no conflicts (2 of 4 stars). 2 submissions from 2 submitters: Uncertain significance (2). Last evaluated 2024-12-09.

Conditions:
Familial hemophagocytic lymphohistiocytosis 3 (FHL3). Also called: UNC13D-Related Familial Hemophagocytic Lymphohistiocytosis (UNC13D-fHLH). Identifiers: Orphanet 540, MedGen C1837174, MONDO:0012146, OMIM 608898.

Allele frequency attached by ClinVar (database versions not stated): gnomAD 0.00001; gnomAD exomes 0.00003; ExAC 0.00005; TOPMed 0.00005; ESP Exome Variant Server 0.00008.
gnomAD v4.1: 22 of 1,612,656 alleles (0.0014%); highest among the groups gnomAD compares: African/African-American, 0.008%; no homozygotes.

Submissions (2):

Labcorp Genetics (formerly Invitae), Labcorp
Classification: Uncertain significance for Familial hemophagocytic lymphohistiocytosis 3. Last evaluated: 2024-12-09. Review status: criteria provided, single submitter. Criteria: Invitae Variant Classification Sherloc (09022015). Collection method: clinical testing. Allele origin: germline.
Comment: This sequence change replaces arginine, which is basic and polar, with histidine, which is basic and polar, at codon 16 of the UNC13D protein (p.Arg16His). This variant is present in population databases (rs149195431, gnomAD 0.008%). This variant has not been reported in the literature in individuals affected with UNC13D-related conditions. ClinVar contains an entry for this variant (Variation ID: 1440152). An algorithm developed to predict the effect of missense changes on protein structure and function (PolyPhen-2) suggests that this variant is likely to be disruptive. In summary, the available evidence is currently insufficient to determine the role of this variant in disease. Therefore, it has been classified as a Variant of Uncertain Significance.

GeneDx
Classification: Uncertain significance. Last evaluated: 2022-10-14. Review status: criteria provided, single submitter. Criteria: GeneDx Variant Classification Process June 2021. Collection method: clinical testing. Allele origin: germline. Affected: yes.
Comment: In silico analysis supports that this missense variant does not alter protein structure/function; Has not been previously published as pathogenic or benign to our knowledge